The following is an entry in ClinVar:

ClinVar aggregate classification (germline): Likely benign. Review status: criteria provided, multiple submitters, no conflicts (2 of 4 stars). 3 submissions from 3 submitters: Likely benign (3). Last evaluated 2026-04-01.

Allele frequency attached by ClinVar (database versions not stated): ExAC 0.00007; gnomAD exomes 0.00015 and 0.00031; gnomAD 0.00029 and 0.00031; TOPMed 0.00030; ESP Exome Variant Server 0.00031.
gnomAD v4.1: 489 of 1,614,026 alleles (0.03%); highest among the groups gnomAD compares: Non-Finnish European, 0.039%; no homozygotes.

Submissions (3):

CeGaT Center for Human Genetics Tuebingen
Classification: Likely benign. Last evaluated: 2026-04-01. Review status: criteria provided, single submitter. Criteria: CeGaT Center For Human Genetics Tuebingen Variant Classification Criteria Version 2. Collection method: clinical testing. Allele origin: germline. Affected: yes. Observed: 1 variant allele.
Comment: TONSL: BP4, BP7

Labcorp Genetics (formerly Invitae), Labcorp
Classification: Likely benign. Last evaluated: 2026-01-17. Review status: criteria provided, single submitter. Criteria: Invitae Variant Classification Sherloc (09022015). Collection method: clinical testing. Allele origin: germline.

Blueprint Genetics
Classification: Likely benign. Last evaluated: 2024-06-26. Review status: criteria provided, single submitter. Criteria: ACMG Guidelines, 2015. Collection method: clinical testing. Allele origin: germline.

NM_013432.5(TONSL):c.3762C>G (p.Thr1254=)

Gene: TONSL (tonsoku like, DNA repair protein; minus strand). Cytogenetic location: 8q24.3.
Variant type: single nucleotide variant.
Coding change: c.3762C>G on transcript NM_013432.5 (MANE Select); coding-DNA position 3762, C replaced by G.
Protein change: p.Thr1254=; no amino-acid change (threonine 1254 retained).
Molecular consequence: synonymous variant.
Genome position (GRCh38, 1-based): chr8:144,431,125, G>C on the plus strand (C>G on the coding strand, the complement: TONSL is on the minus strand). VCF-style: chr8-144431125-G-C. GRCh37 (hg19) VCF-style: chr8-145656508-G-C.
Identifiers: ClinVar variation 1131111 (VCV001131111.10), dbSNP rs371792871, ClinGen allele CA4942387.
Genomic context (GRCh38, chr8:144,431,125, plus strand): 5'-GAAAGGGCGTTACCTGCACAGGTCTCTAACAGCCTTGTCCCCCAGGTGGTTTGCAGACAG[G>C]GTCAGGTGGGCTAGAGCACAGCCTTCCTGGACATGAGCAGAGGCCCAAGGGGGCCAAACG-3'
Protein context (NP_038460.4, residues 1244-1264): AKEGCALAHL[Thr1254=]LSANHLGDKA